The following is an entry in ClinVar:

ClinVar aggregate classification (germline): Uncertain significance (1 of 4 stars; one submission).

Conditions:
Amyotrophic lateral sclerosis type 1 (ALS1). Also called: AMYOTROPHIC LATERAL SCLEROSIS 1, FAMILIAL. Identifiers: Orphanet 803, MedGen C1862939, MONDO:0007103, OMIM 105400.
Perry syndrome. Also called: PARKINSONISM WITH ALVEOLAR HYPOVENTILATION AND MENTAL DEPRESSION. Identifiers: Orphanet 178509, MedGen C1868594, MONDO:0008201, OMIM 168605.
Neuronopathy, distal hereditary motor, type 7B. Also called: HMN VIIB; LOWER MOTOR NEURON DISEASE, DYNACTIN TYPE; NEURONOPATHY, DISTAL HEREDITARY MOTOR, AUTOSOMAL DOMINANT 14; NEURONOPATHY, DISTAL HEREDITARY MOTOR, HARDING TYPE VIIB; NEUROPATHY, DISTAL HEREDITARY MOTOR, HARDING TYPE VIIB; NEUROPATHY, DISTAL HEREDITARY MOTOR, WITH VOCAL CORD PARALYSIS, HARDING TYPE VIIB. Identifiers: Orphanet 139589, MedGen C1843315, MONDO:0011879, OMIM 607641.

gnomAD v4.1: 1 of 1,579,220 alleles (0.000063%); highest among the groups gnomAD compares: Non-Finnish European, 0.000086%; no homozygotes.

Submission:

Labcorp Genetics (formerly Invitae), Labcorp
Classification: Uncertain significance for Amyotrophic lateral sclerosis type 1; Neuronopathy, distal hereditary motor, type 7B; Perry syndrome. Last evaluated: 2024-08-11. Review status: criteria provided, single submitter. Criteria: Invitae Variant Classification Sherloc (09022015). Collection method: clinical testing. Allele origin: germline.
Comment: This sequence change replaces proline, which is neutral and non-polar, with glutamine, which is neutral and polar, at codon 209 of the DCTN1 protein (p.Pro209Gln). This variant is not present in population databases (gnomAD no frequency). This variant has not been reported in the literature in individuals affected with DCTN1-related conditions. ClinVar contains an entry for this variant (Variation ID: 1467299). Advanced modeling of protein sequence and biophysical properties (such as structural, functional, and spatial information, amino acid conservation, physicochemical variation, residue mobility, and thermodynamic stability) performed at Invitae indicates that this missense variant is not expected to disrupt DCTN1 protein function with a negative predictive value of 80%. In summary, the available evidence is currently insufficient to determine the role of this variant in disease. Therefore, it has been classified as a Variant of Uncertain Significance.

NM_004082.5(DCTN1):c.626C>A (p.Pro209Gln)

Gene: DCTN1 (dynactin subunit 1; minus strand). Cytogenetic location: 2p13.1.
Variant type: single nucleotide variant.
Coding change: c.626C>A on transcript NM_004082.5 (MANE Select); coding-DNA position 626, C replaced by A.
Protein change: p.Pro209Gln; replaces proline 209 with glutamine.
Molecular consequence: missense variant. On other transcripts: non-coding transcript variant (1).
Genome position (GRCh38, 1-based): chr2:74,371,556, G>T on the plus strand (C>A on the coding strand, the complement: DCTN1 is on the minus strand). VCF-style: chr2-74371556-G-T. GRCh37 (hg19) VCF-style: chr2-74598683-G-T.
Other names: c.566C>A, p.Pro189Gln (NM_001135040.3); c.224C>A, p.Pro75Gln (NM_001135041.3, NM_023019.4); c.515C>A, p.Pro172Gln (NM_001190836.2); c.605C>A, p.Pro202Gln (NM_001190837.2); c.575C>A, p.Pro192Gln (NM_001378991.1); c.557C>A, p.Pro186Gln (NM_001378992.1); short protein forms P202Q, P75Q, P186Q, P189Q, P209Q, P172Q, P192Q.
Identifiers: ClinVar variation 1467299 (VCV001467299.8), dbSNP rs112725508, ClinGen allele CA347366817.